The following is an entry in ClinVar:

ClinVar aggregate classification (germline): Conflicting classifications of pathogenicity. Review status: criteria provided, conflicting classifications (1 of 4 stars). 6 submissions from 6 submitters: Uncertain significance (1); Likely benign (3). 2 of the submissions do not count toward it. Last evaluated 2025-11-17.

Conditions:
Kabuki syndrome. Also called: NIIKAWA-KUROKI SYNDROME; Kabuki make-up syndrome. Identifiers: Orphanet 2322, MedGen C0796004, MONDO:0016512.

Allele frequency attached by ClinVar (database versions not stated): gnomAD exomes 0.00003 and 0.00004; ExAC 0.00004; gnomAD 0.00005 and 0.00006; TOPMed 0.00006.
gnomAD v4.1: 63 of 1,613,240 alleles (0.0039%); highest among the groups gnomAD compares: Middle Eastern, 0.066%; no homozygotes.

Submissions (6):

Labcorp Genetics (formerly Invitae), Labcorp
Classification: Likely benign for Kabuki syndrome. Last evaluated: 2025-11-17. Review status: criteria provided, single submitter. Criteria: Invitae Variant Classification Sherloc (09022015). Collection method: clinical testing. Allele origin: germline.

CeGaT Center for Human Genetics Tuebingen
Classification: Likely benign. Last evaluated: 2025-07-01. Review status: criteria provided, single submitter. Criteria: CeGaT Center For Human Genetics Tuebingen Variant Classification Criteria Version 2. Collection method: clinical testing. Allele origin: germline. Affected: yes. Observed: 5 variant alleles.
Comment: KMT2D: BP4, BP7

Blueprint Genetics
Classification: Likely benign. Last evaluated: 2024-05-21. Review status: criteria provided, single submitter. Criteria: ACMG Guidelines, 2015. Collection method: clinical testing. Allele origin: germline.

Genetic Services Laboratory, University of Chicago
Classification: Uncertain significance. Last evaluated: 2020-05-20. Review status: criteria provided, single submitter. Criteria: ACMG Guidelines, 2015. Collection method: clinical testing. Allele origin: germline. Affected: no.

Clinical Genetics DNA and cytogenetics Diagnostics Lab, Erasmus MC, Erasmus Medical Center
Classification: Likely benign. Review status: no assertion criteria provided. Collection method: clinical testing. Allele origin: germline. Affected: yes. Study: VKGL Data-share Consensus. Not counted in ClinVar's aggregate classification.

Genome Diagnostics Laboratory, University Medical Center Utrecht
Classification: Likely benign. Review status: no assertion criteria provided. Collection method: clinical testing. Allele origin: germline. Affected: yes. Study: VKGL Data-share Consensus. Not counted in ClinVar's aggregate classification.

NM_003482.4(KMT2D):c.4392C>A (p.Val1464=)

Gene: KMT2D (lysine methyltransferase 2D; minus strand). Cytogenetic location: 12q13.12.
Variant type: single nucleotide variant.
Coding change: c.4392C>A on transcript NM_003482.4 (MANE Select); coding-DNA position 4392, C replaced by A.
Protein change: p.Val1464=; no amino-acid change (valine 1464 retained).
Molecular consequence: synonymous variant.
Genome position (GRCh38, 1-based): chr12:49,046,635, G>T on the plus strand (C>A on the coding strand, the complement: KMT2D is on the minus strand). VCF-style: chr12-49046635-G-T. GRCh37 (hg19) VCF-style: chr12-49440418-G-T.
Identifiers: ClinVar variation 1285232 (VCV001285232.38), dbSNP rs758265897, ClinGen allele CA6547844.
Genomic context (GRCh38, chr12:49,046,635, plus strand): 5'-CCCAGGGCTCCACTGAAGATCCCAGTCTCCTTACCACTTGCACTTCCAGCCGCCCTTGGG[G>T]ACGGTGAGCAGTGGGGGGTCCAGGCAGTATGTGTGGTAGCTAATATCACAGTCATCACAG-3'
Protein context (NP_003473.3, residues 1454-1474): TYCLDPPLLT[Val1464=]PKGGWKCKWC